The following is an entry in ClinVar:

ClinVar aggregate classification (germline): Uncertain significance. Review status: criteria provided, multiple submitters, no conflicts (2 of 4 stars). 2 submissions from 2 submitters: Uncertain significance (2). Last evaluated 2025-05-30.

Conditions:
Familial melanoma. Also called: Hereditary melanoma; Hereditary cutaneous melanoma. Identifiers: Orphanet 618, MedGen C1512419, MONDO:0018961.
Hereditary cancer-predisposing syndrome. Also called: Neoplastic Syndromes, Hereditary; Hereditary Cancer Syndrome; Tumor predisposition; Hereditary neoplastic syndrome. Identifiers: Orphanet 140162, MedGen C0027672, MeSH D009386, MONDO:0015356.

Allele frequency attached by ClinVar (database versions not stated): gnomAD exomes below 0.00001.
gnomAD v4.1: 3 of 1,606,540 alleles (0.00019%); highest among the groups gnomAD compares: Non-Finnish European, 0.00025%; no homozygotes.

Submissions (2):

Ambry Genetics
Classification: Uncertain significance for Hereditary cancer-predisposing syndrome. Last evaluated: 2025-05-30. Review status: criteria provided, single submitter. Criteria: Ambry Variant Classification Scheme 2023. Collection method: clinical testing. Allele origin: germline.
Comment: The p.R3C variant (also known as c.7C>T), located in coding exon 1 of the CDKN2A (p14ARF) gene, results from a C to T substitution at nucleotide position 7. The arginine at codon 3 is replaced by cysteine, an amino acid with highly dissimilar properties. This alteration has been identified in a cohort of 2407 European pediatric patients with acute lymphoblastic leukemia (Xu H et al. Nat Commun, 2015 Jun;6:7553). This amino acid position is well conserved in available vertebrate species. Based on the available evidence, the clinical significance of this variant remains unclear.

Labcorp Genetics (formerly Invitae), Labcorp
Classification: Uncertain significance for Familial melanoma. Last evaluated: 2020-03-17. Review status: criteria provided, single submitter. Criteria: Invitae Variant Classification Sherloc (09022015). Collection method: clinical testing. Allele origin: germline.
Comment: This sequence change replaces arginine with cysteine at codon 3 of the CDKN2A (p14ARF) protein (p.Arg3Cys). The arginine residue is highly conserved and there is a large physicochemical difference between arginine and cysteine. This variant is not present in population databases (ExAC no frequency). This variant has been reported in the literature in an individual affected with acute lymphoblastic leukemia (PMID: 26104880). ClinVar contains an entry for this variant (Variation ID: 463519). Algorithms developed to predict the effect of missense changes on protein structure and function do not agree on the potential impact of this missense change (SIFT: Deleterious; PolyPhen-2: Possibly Damaging; Align-GVGD: Class C0). In summary, the available evidence is currently insufficient to determine the role of this variant in disease. Therefore, it has been classified as a Variant of Uncertain Significance.

Literature cited by the submitters: PubMed 26104880 (cited by Ambry Genetics and Labcorp Genetics (formerly Invitae), Labcorp).

NM_058195.4(CDKN2A):c.7C>T (p.Arg3Cys)

Gene: CDKN2A (cyclin dependent kinase inhibitor 2A; minus strand). Cytogenetic location: 9p21.3.
Variant type: single nucleotide variant.
Coding change: c.7C>T on transcript NM_058195.4 (MANE Plus Clinical); coding-DNA position 7, C replaced by T.
Protein change: p.Arg3Cys; replaces arginine 3 with cysteine.
Molecular consequence: missense variant. On other transcripts: intron variant (1).
Genome position (GRCh38, 1-based): chr9:21,994,325, G>A on the plus strand (C>T on the coding strand, the complement: CDKN2A is on the minus strand). VCF-style: chr9-21994325-G-A. GRCh37 (hg19) VCF-style: chr9-21994324-G-A.
Other names: c.-4+496C>T (NM_001363763.2); short protein forms R3C.
Identifiers: ClinVar variation 463519 (VCV000463519.11), dbSNP rs1554659249, ClinGen allele CA373087124.